The following is an entry in ClinVar:

NM_006295.3(VARS1):c.2241+48T>G

Gene: VARS1 (valyl-tRNA synthetase 1; minus strand). Cytogenetic location: 6p21.33.
Variant type: single nucleotide variant.
Coding change: c.2241+48T>G on transcript NM_006295.3 (MANE Select); 48 bases into the intron after coding-DNA position 2241, T replaced by G.
Molecular consequence: intron variant.
Genome position (GRCh38, 1-based): chr6:31,782,039, A>C on the plus strand (T>G on the coding strand, the complement: VARS1 is on the minus strand). VCF-style: chr6-31782039-A-C. GRCh37 (hg19) VCF-style: chr6-31749816-A-C.
Identifiers: ClinVar variation 3775352 (VCV003775352.1).

ClinVar aggregate classification (germline): Uncertain significance (1 of 4 stars; one submission).

Conditions:
Neurodevelopmental disorder with microcephaly, seizures, and cortical atrophy. Identifiers: MedGen C4540493, MONDO:0060621, OMIM 617802.

gnomAD v4.1: 152 of 1,611,850 alleles (0.0094%); highest among the groups gnomAD compares: Middle Eastern, 0.05%; no homozygotes.

Submission:

3billion
Classification: Uncertain significance for Neurodevelopmental disorder with microcephaly, seizures, and cortical atrophy. Last evaluated: 2023-12-04. Review status: criteria provided, single submitter. Criteria: ACMG Guidelines, 2015. Collection method: clinical testing. Allele origin: germline. Affected: yes.
Comment: The variant is observed at an extremely low frequency in the gnomAD v2.1.1 dataset (total allele frequency: 0.011%). Predicted Consequence/Location: Intron variant In silico tools predict the variant to alter splicing and produce an abnormal transcript [SpliceAI: 0.65 (>=0.2, moderate evidence for spliceogenicity)]. Therefore, this variant is classified as VUS according to the recommendation of ACMG/AMP guideline.